The following is an entry in ClinVar:

NM_145331.3(MAP3K7):c.287G>C (p.Cys96Ser)

Gene: MAP3K7 (mitogen-activated protein kinase kinase kinase 7; minus strand). Cytogenetic location: 6q15.
Variant type: single nucleotide variant.
Coding change: c.287G>C on transcript NM_145331.3 (MANE Select); coding-DNA position 287, G replaced by C.
Protein change: p.Cys96Ser; replaces cysteine 96 with serine.
Molecular consequence: missense variant.
Genome position (GRCh38, 1-based): chr6:90,568,568, C>G on the plus strand (G>C on the coding strand, the complement: MAP3K7 is on the minus strand). VCF-style: chr6-90568568-C-G. GRCh37 (hg19) VCF-style: chr6-91278287-C-G.
Other names: c.287G>C, p.Cys96Ser (NM_003188.4, NM_145332.3, NM_145333.3); short protein forms C96S.
Identifiers: ClinVar variation 2967532 (VCV002967532.3), dbSNP rs2481865550, ClinGen allele CA365017361.

ClinVar aggregate classification (germline): Uncertain significance (1 of 4 stars; one submission).

Submission:

Labcorp Genetics (formerly Invitae), Labcorp
Classification: Uncertain significance. Last evaluated: 2023-11-15. Review status: criteria provided, single submitter. Criteria: Invitae Variant Classification Sherloc (09022015). Collection method: clinical testing. Allele origin: germline.
Comment: This sequence change replaces cysteine, which is neutral and slightly polar, with serine, which is neutral and polar, at codon 96 of the MAP3K7 protein (p.Cys96Ser). This variant is not present in population databases (gnomAD no frequency). This variant has not been reported in the literature in individuals affected with MAP3K7-related conditions. An algorithm developed to predict the effect of missense changes on protein structure and function (PolyPhen-2) suggests that this variant is likely to be disruptive. In summary, the available evidence is currently insufficient to determine the role of this variant in disease. Therefore, it has been classified as a Variant of Uncertain Significance.